The following is an entry in ClinVar:

NM_016343.4(CENPF):c.2638G>A (p.Glu880Lys)

Gene: CENPF (centromere protein F; plus strand). Cytogenetic location: 1q41.
Variant type: single nucleotide variant.
Coding change: c.2638G>A on transcript NM_016343.4 (MANE Select); coding-DNA position 2638, G replaced by A.
Protein change: p.Glu880Lys; replaces glutamic acid 880 with lysine.
Molecular consequence: missense variant.
Genome position (GRCh38, 1-based): chr1:214,640,976, G>A. VCF-style: chr1-214640976-G-A. GRCh37 (hg19) VCF-style: chr1-214814319-G-A.
Other names: short protein forms E880K.
Identifiers: ClinVar variation 2629670 (VCV002629670.1), dbSNP rs565451023, ClinGen allele CA1390287.

ClinVar aggregate classification (germline): Uncertain significance (1 of 4 stars; one submission).

Conditions:
CENPF-related disorder. Also called: CENPF-related condition.

Allele frequency attached by ClinVar (database versions not stated): gnomAD exomes below 0.00001; ExAC 0.00001; TOPMed 0.00001; gnomAD 0.00002; 1000 Genomes Project 0.00020; 1000 Genomes Project 30x 0.00031.
gnomAD v4.1: 7 of 1,597,842 alleles (0.00044%); highest among the groups gnomAD compares: African/African-American, 0.0095%; no homozygotes.

Submission:

PreventionGenetics, part of Exact Sciences
Classification: Uncertain significance for CENPF-related condition. Last evaluated: 2023-01-09. Review status: criteria provided, single submitter. Criteria: ACMG Guidelines, 2015. Collection method: clinical testing. Allele origin: germline.
Comment: The CENPF c.2638G>A variant is predicted to result in the amino acid substitution p.Glu880Lys. To our knowledge, this variant has not been reported in the literature. This variant is reported in 0.013% of alleles in individuals of African descent in gnomAD. At this time, the clinical significance of this variant is uncertain due to the absence of conclusive functional and genetic evidence.